The following is an entry in ClinVar:

ClinVar aggregate classification (germline): Pathogenic (0 of 4 stars; one submission).

Conditions:
Hereditary spastic paraplegia 11. Also called: Spastic Paraplegia 11; Autosomal recessive hereditary spastic paraplegia, mental impairment, and thin corpus callosum; Nakamura Osame syndrome; SPASTIC PARAPLEGIA, AUTOSOMAL RECESSIVE, COMPLICATED, WITH THIN CORPUS CALLOSUM; SPASTIC PARAPLEGIA, AUTOSOMAL RECESSIVE, WITH MENTAL IMPAIRMENT AND THIN CORPUS CALLOSUM; Spastic paraplegia, mental retardation and thin corpus callosum. Identifiers: Orphanet 2822, MedGen C1858479, MONDO:0011445, OMIM 604360.

Submission:

GeneReviews
Classification: Pathogenic for Spastic Paraplegia 11. Last evaluated: 2013-01-31. Review status: no assertion criteria provided. Collection method: curation. Allele origin: unknown.
ClinVar note: Converted during submission from pathologic to Pathogenic.

NM_025137.4(SPG11):c.5399_5402delinsTGGAGGAG (p.Gln1800fs)

Gene: SPG11 (SPG11 vesicle trafficking associated, spatacsin; minus strand). Cytogenetic location: 15q21.1.
Variant type: Indel.
Coding change: c.5399_5402delinsTGGAGGAG on transcript NM_025137.4 (MANE Select); coding-DNA positions 5399 to 5402, AGAT replaced by TGGAGGAG.
Protein change: p.Gln1800fs; shifts the reading frame from glutamine 1800.
Molecular consequence: frameshift variant.
Genome position (GRCh38, 1-based): chr15:44,584,278-44,584,281, ATCT replaced by CTCCTCCA on the plus strand (AGAT replaced by TGGAGGAG on the coding strand, the reverse complement: SPG11 is on the minus strand). VCF-style: chr15-44584278-ATCT-CTCCTCCA. GRCh37 (hg19) VCF-style: chr15-44876476-ATCT-CTCCTCCA.
Other names: c.5399_5402delinsTGGAGGAG, p.Gln1800fs (NM_001160227.2); short protein forms Q1800fs.
Identifiers: ClinVar variation 41322 (VCV000041322.4), dbSNP rs312262765, ClinGen allele CA344352.
Genomic context (GRCh38, chr15:44,584,278, plus strand): 5'-CTGGGCTCTGTTTCCTCCTGATTTCTTCCAAGAGTGTGCTGGGTGATGCGGCACAGCCAG[ATCT>CTCCTCCA]GCTTCTCCAGCTCCTCCAGCTTATCCAAGGGCACCACGTCCTCCTGGGCAAGCCAGTGCC-3'